The following is an entry in ClinVar:

ClinVar aggregate classification (germline): Uncertain significance. Review status: criteria provided, multiple submitters, no conflicts (2 of 4 stars). 2 submissions from 2 submitters: Uncertain significance (2). Last evaluated 2025-06-12.

Conditions:
Hereditary cancer-predisposing syndrome. Also called: Neoplastic Syndromes, Hereditary; Tumor predisposition; Hereditary Cancer Syndrome; Hereditary neoplastic syndrome. Identifiers: Orphanet 140162, MedGen C0027672, MeSH D009386, MONDO:0015356.
Renal cell carcinoma. Identifiers: Orphanet 217071, MedGen C0007134, MeSH D002292, MONDO:0005086, HP:0005584.

Submissions (2):

Labcorp Genetics (formerly Invitae), Labcorp
Classification: Uncertain significance for Renal cell carcinoma. Last evaluated: 2025-06-12. Review status: criteria provided, single submitter. Criteria: Invitae Variant Classification Sherloc (09022015). Collection method: clinical testing. Allele origin: germline.
Comment: This sequence change replaces serine, which is neutral and polar, with cysteine, which is neutral and slightly polar, at codon 737 of the MET protein (p.Ser737Cys). This variant is not present in population databases (gnomAD no frequency). This variant has not been reported in the literature in individuals affected with MET-related conditions. ClinVar contains an entry for this variant (Variation ID: 1787729). Invitae Evidence Modeling of protein sequence and biophysical properties (such as structural, functional, and spatial information, amino acid conservation, physicochemical variation, residue mobility, and thermodynamic stability) indicates that this missense variant is not expected to disrupt MET protein function with a negative predictive value of 80%. In summary, the available evidence is currently insufficient to determine the role of this variant in disease. Therefore, it has been classified as a Variant of Uncertain Significance.

Ambry Genetics
Classification: Uncertain significance for Hereditary cancer-predisposing syndrome. Last evaluated: 2020-12-21. Review status: criteria provided, single submitter. Criteria: Ambry Variant Classification Scheme 2023. Collection method: clinical testing. Allele origin: germline.
Comment: The p.S737C variant (also known as c.2209A>T), located in coding exon 8 of the MET gene, results from an A to T substitution at nucleotide position 2209. The serine at codon 737 is replaced by cysteine, an amino acid with dissimilar properties. This amino acid position is poorly conserved in available vertebrate species. In addition, this alteration is predicted to be tolerated by in silico analysis. Since supporting evidence is limited at this time, the clinical significance of this alteration remains unclear.

NM_000245.4(MET):c.2209A>T (p.Ser737Cys)

Gene: MET (MET proto-oncogene, receptor tyrosine kinase; plus strand). Cytogenetic location: 7q31.2.
Variant type: single nucleotide variant.
Coding change: c.2209A>T on transcript NM_000245.4 (MANE Select); coding-DNA position 2209, A replaced by T.
Protein change: p.Ser737Cys; replaces serine 737 with cysteine.
Molecular consequence: missense variant.
Genome position (GRCh38, 1-based): chr7:116,758,565, A>T. VCF-style: chr7-116758565-A-T. GRCh37 (hg19) VCF-style: chr7-116398619-A-T.
Other names: c.2209A>T, p.Ser737Cys (NM_001127500.3, NM_001324401.3); c.919A>T, p.Ser307Cys (NM_001324402.2); short protein forms S737C, S307C.
Identifiers: ClinVar variation 1787729 (VCV001787729.3), dbSNP rs755571526, ClinGen allele CA368980731.